The following is an entry in ClinVar:

ClinVar aggregate classification (germline): Conflicting classifications of pathogenicity. Review status: criteria provided, conflicting classifications (1 of 4 stars). 9 submissions from 9 submitters: Uncertain significance (7); Likely benign (2). Last evaluated 2026-06-15.

Conditions:
Rothmund-Thomson syndrome (RTS). Also called: Poikiloderma Congenitale; Poikiloderma of Rothmund-Thomson. Identifiers: Orphanet 2909, MedGen C0032339, MONDO:0010002.
Rapadilino syndrome. Identifiers: Orphanet 3021, MedGen C1849453, MONDO:0009955, OMIM 266280.
Baller-Gerold syndrome (BGS). Also called: CRANIOSYNOSTOSIS WITH RADIAL DEFECTS. Identifiers: Orphanet 1225, MedGen C0265308, MONDO:0009039, OMIM 218600.
RECQL4-related disorder. Also called: RECQL4-related condition; RECQL4-related disorders.
Rothmund-Thomson syndrome type 2 (RTS2). Identifiers: Orphanet 221016, MedGen C5203410, MONDO:0016369, OMIM 268400.

Allele frequency attached by ClinVar (database versions not stated): gnomAD exomes 0.00010 and 0.00018; ExAC 0.00026; 1000 Genomes Project 30x 0.00031; 1000 Genomes Project 0.00040; TOPMed 0.00043; gnomAD 0.00047 and 0.00053; ESP Exome Variant Server 0.00048.
gnomAD v4.1: 226 of 1,610,746 alleles (0.014%); highest among the groups gnomAD compares: African/African-American, 0.13%; no homozygotes.

Submissions (9):

PreventionGenetics, part of Exact Sciences
Classification: Uncertain significance for RECQL4-related condition. Last evaluated: 2026-06-15. Review status: criteria provided, single submitter. Criteria: ACMG Guidelines, 2015. Collection method: clinical testing. Allele origin: germline.
Comment: The RECQL4 c.3317G>A variant is predicted to result in the amino acid substitution p.Arg1106His. To our knowledge, this variant has not been reported in the literature. This variant is reported in 0.15% of alleles in individuals of African descent in gnomAD, which may be too frequent to be a primary cause of disease. Although we suspect that this variant may be benign, at this time, the clinical significance of this variant is uncertain due to the absence of conclusive functional and genetic evidence.

St. Jude Molecular Pathology, St. Jude Children's Research Hospital
Classification: Uncertain significance for Rothmund-Thomson syndrome type 2. Last evaluated: 2026-02-11. Review status: criteria provided, single submitter. Criteria: St. Jude Assertion Criteria 2020. Collection method: clinical testing. Allele origin: germline.
Comment: The RECQL4 c.3317G>A p.(Arg1106His) missense change has a maximum subpopulation frequency of 0.15% in gnomAD v2.1.1. In silico tools predict a benign effect on protein function, but to our knowledge this prediction has not been confirmed by functional studies. To our knowledge, this variant has not been reported in individuals with RECQL4-associated conditions. In summary, the evidence currently available is insufficient to determine the clinical significance of this variant. It has therefore been classified as of uncertain significance.

Labcorp Genetics (formerly Invitae), Labcorp
Classification: Likely benign for Baller-Gerold syndrome. Last evaluated: 2026-01-05. Review status: criteria provided, single submitter. Criteria: Invitae Variant Classification Sherloc (09022015). Collection method: clinical testing. Allele origin: germline.

Blueprint Genetics
Classification: Likely benign. Last evaluated: 2024-08-22. Review status: criteria provided, single submitter. Criteria: ACMG Guidelines, 2015. Collection method: clinical testing. Allele origin: germline.

Revvity Omics, Revvity
Classification: Uncertain significance. Last evaluated: 2023-06-09. Review status: criteria provided, single submitter. Criteria: ACMG Guidelines, 2015. Collection method: clinical testing. Allele origin: germline.

Institute for Clinical Genetics, University Hospital TU Dresden, University Hospital TU Dresden
Classification: Uncertain significance. Last evaluated: 2021-11-03. Review status: criteria provided, single submitter. Criteria: ACMG Guidelines, 2015. Collection method: clinical testing. Allele origin: germline.

CeGaT Center for Human Genetics Tuebingen
Classification: Uncertain significance. Last evaluated: 2020-04-01. Review status: criteria provided, single submitter. Criteria: CeGaT Center For Human Genetics Tuebingen Variant Classification Criteria Version 2. Collection method: clinical testing. Allele origin: germline. Affected: yes. Observed: 1 variant allele.

Genetic Services Laboratory, University of Chicago
Classification: Uncertain significance. Last evaluated: 2018-12-21. Review status: criteria provided, single submitter. Criteria: ACMG Guidelines, 2015. Collection method: clinical testing. Allele origin: germline. Affected: no.

Fulgent Genetics
Classification: Uncertain significance for Baller-Gerold syndrome; Rapadilino syndrome; Rothmund-Thomson syndrome type 2. Last evaluated: 2018-10-31. Review status: criteria provided, single submitter. Criteria: ACMG Guidelines, 2015. Collection method: clinical testing. Allele origin: unknown.

NM_004260.4(RECQL4):c.3317G>A (p.Arg1106His)

Gene: RECQL4 (RecQ like helicase 4; minus strand). Cytogenetic location: 8q24.3.
Variant type: single nucleotide variant.
Coding change: c.3317G>A on transcript NM_004260.4 (MANE Select); coding-DNA position 3317, G replaced by A.
Protein change: p.Arg1106His; replaces arginine 1106 with histidine.
Molecular consequence: missense variant.
Genome position (GRCh38, 1-based): chr8:144,511,987, C>T on the plus strand (G>A on the coding strand, the complement: RECQL4 is on the minus strand). VCF-style: chr8-144511987-C-T. GRCh37 (hg19) VCF-style: chr8-145737370-C-T.
Other names: short protein forms R1106H.
Identifiers: ClinVar variation 407023 (VCV000407023.60), dbSNP rs34236392, ClinGen allele CA4947819.